The following is an entry in ClinVar:

ClinVar aggregate classification (germline): Pathogenic (1 of 4 stars; one submission).

Submission:

GeneDx
Classification: Pathogenic. Last evaluated: 2019-04-05. Review status: criteria provided, single submitter. Criteria: GeneDx Variant Classification (06012015). Collection method: clinical testing. Allele origin: germline. Affected: yes.
Comment: The c.1004dupT variant in the DDX41 gene has not been reported previously as a pathogenic variant nor as a benign variant, to our knowledge. This variant causes a frameshift starting with codon Aspartic Acid 336, changes this amino acid to an Arginine residue, and creates a premature Stop codon at position 12 of the new reading frame, denoted p.Asp336ArgfsX12. This variant is predicted to cause loss of normal protein function either through protein truncation or nonsense-mediated mRNA decay. The c.1004dupT variant is not observed in large population cohorts (Lek et al., 2016). We interpret c.1004dupT as a pathogenic variant.

NM_016222.4(DDX41):c.1004dup (p.Asp336fs)

Gene: DDX41 (DEAD-box helicase 41; minus strand). Cytogenetic location: 5q35.3.
Variant type: Duplication.
Coding change: c.1004dup on transcript NM_016222.4 (MANE Select); coding-DNA position 1004, one base duplicated (T; older notation c.1004dupT).
Protein change: p.Asp336fs; shifts the reading frame from aspartic acid 336.
Molecular consequence: frameshift variant.
Genome position (GRCh38, 1-based): chr5:177,513,779, A duplicated on the plus strand (T on the coding strand, the reverse complement: DDX41 is on the minus strand). VCF-style (leftmost placement, unchanged base first): chr5-177513778-T-TA. GRCh37 (hg19) VCF-style: chr5-176940779-T-TA.
Other names: c.626dup, p.Asp210fs (NM_001321732.2, NM_001321830.2); short protein forms D336fs, D210fs.
Identifiers: ClinVar variation 817277 (VCV000817277.1), dbSNP rs1581805747, ClinGen allele CA915942753.